The following is an entry in ClinVar:

NM_003238.6(TGFB2):c.*1128G>A

Gene: TGFB2 (transforming growth factor beta 2; plus strand). Cytogenetic location: 1q41.
Variant type: single nucleotide variant.
Coding change: c.*1128G>A on transcript NM_003238.6 (MANE Select); 1128 bases downstream of the stop codon, G replaced by A.
Molecular consequence: 3 prime UTR variant. On other transcripts: non-coding transcript variant (2).
Genome position (GRCh38, 1-based): chr1:218,442,490, G>A. VCF-style: chr1-218442490-G-A. GRCh37 (hg19) VCF-style: chr1-218615832-G-A.
Other names: c.*1128G>A (NM_001135599.4).
Identifiers: ClinVar variation 295507 (VCV000295507.6), dbSNP rs56271792, ClinGen allele CA10609941.
Genomic context (GRCh38, chr1:218,442,490, plus strand): 5'-TTACCATATTTTTTATATTCTGTAATAATGTCAACTATGATTTAGATTGACTTAAATTTG[G>A]GCTCTTTTTAATGATCACTCACAAATGTATGTTTCTTTTAGCTGGCCAGTACTTTTGAGT-3'

ClinVar aggregate classification (germline): Likely benign. Review status: criteria provided, multiple submitters, no conflicts (2 of 4 stars). 2 submissions from 2 submitters: Likely benign (2). Last evaluated 2017-04-27.

Conditions:
Loeys-Dietz syndrome 4 (LDS4). Also called: ANEURYSM, AORTIC AND CEREBRAL, WITH ARTERIAL TORTUOSITY AND SKELETAL MANIFESTATIONS; TGFB2-Related Loeys-Dietz Syndrome. Identifiers: MedGen C3553762, MONDO:0013897, OMIM 614816.

Allele frequency attached by ClinVar (database versions not stated): 1000 Genomes Project 0.00679; 1000 Genomes Project 30x 0.00781; TOPMed 0.01085; gnomAD 0.01165 and 0.01172.

Submissions (2):

Illumina Laboratory Services, Illumina
Classification: Likely benign for Loeys-Dietz syndrome 4. Last evaluated: 2017-04-27. Review status: criteria provided, single submitter. Criteria: ICSL Variant Classification Criteria 13 December 2019. Collection method: clinical testing. Allele origin: germline.
Comment: This variant was observed as part of a predisposition screen in an ostensibly healthy population. A literature search was performed for the gene, cDNA change, and amino acid change (where applicable). No publications were found based on this search. Allele frequency data from public databases allowed determination this variant is unlikely to cause disease. Therefore, this variant is classified as likely benign.

Breakthrough Genomics
Classification: Likely benign. Review status: criteria provided, single submitter. Criteria: ACMG Guidelines, 2015. Collection method: not provided. Allele origin: germline. Inheritance: Autosomal dominant inheritance. Affected: yes.